The following is an entry in ClinVar:

ClinVar aggregate classification (germline): Uncertain significance (1 of 4 stars; one submission).

Allele frequency attached by ClinVar (database versions not stated): gnomAD exomes below 0.00001; gnomAD 0.00001; TOPMed 0.00001.
gnomAD v4.1: 8 of 1,563,216 alleles (0.00051%); highest among the groups gnomAD compares: African/African-American, 0.0042%; no homozygotes.

Submission:

Labcorp Genetics (formerly Invitae), Labcorp
Classification: Uncertain significance. Last evaluated: 2025-11-17. Review status: criteria provided, single submitter. Criteria: Invitae Variant Classification Sherloc (09022015). Collection method: clinical testing. Allele origin: germline.
Comment: This sequence change falls in intron 20 of the ATP13A3 gene. It does not directly change the encoded amino acid sequence of the ATP13A3 protein. It affects a nucleotide within the consensus splice site. The frequency data for this variant in the population databases is considered unreliable, as metrics indicate poor data quality at this position in the gnomAD database. This variant has not been reported in the literature in individuals affected with ATP13A3-related conditions. ClinVar contains an entry for this variant (Variation ID: 1403596). Variants that disrupt the consensus splice site are a relatively common cause of aberrant splicing (PMID: 17576681, 9536098). Algorithms developed to predict the effect of sequence changes on RNA splicing suggest that this variant is not likely to affect RNA splicing. In summary, the available evidence is currently insufficient to determine the role of this variant in disease. Therefore, it has been classified as a Variant of Uncertain Significance.

Literature cited by the submitters: PubMed 17576681; PubMed 9536098.

NM_001367549.1(ATP13A3):c.2246-3T>C

Gene: ATP13A3 (ATPase 13A3; minus strand). Cytogenetic location: 3q29.
Variant type: single nucleotide variant.
Coding change: c.2246-3T>C on transcript NM_001367549.1 (MANE Select); 3 bases into the intron before coding-DNA position 2246, T replaced by C.
Molecular consequence: intron variant.
Genome position (GRCh38, 1-based): chr3:194,431,895, A>G on the plus strand (T>C on the coding strand, the complement: ATP13A3 is on the minus strand). VCF-style: chr3-194431895-A-G. GRCh37 (hg19) VCF-style: chr3-194152624-A-G.
Other names: c.2165-3T>C (NM_001374836.1); c.2246-3T>C (NM_024524.4).
Identifiers: ClinVar variation 1403596 (VCV001403596.6), dbSNP rs1270412241, ClinGen allele CA548840919.